The following is an entry in ClinVar:

ClinVar aggregate classification (germline): Uncertain significance (1 of 4 stars; one submission).

Conditions:
Mowat-Wilson syndrome (MOWS). Also called: Classic Mowat-Wilson Syndrome. Identifiers: Orphanet 2152, MedGen C1856113, MONDO:0009341, OMIM 235730.

Submission:

Labcorp Genetics (formerly Invitae), Labcorp
Classification: Uncertain significance for Mowat-Wilson syndrome. Last evaluated: 2024-08-11. Review status: criteria provided, single submitter. Criteria: Invitae Variant Classification Sherloc (09022015). Collection method: clinical testing. Allele origin: germline.
Comment: This sequence change replaces proline, which is neutral and non-polar, with threonine, which is neutral and polar, at codon 1118 of the ZEB2 protein (p.Pro1118Thr). This variant is not present in population databases (gnomAD no frequency). This variant has not been reported in the literature in individuals affected with ZEB2-related conditions. Advanced modeling of protein sequence and biophysical properties (such as structural, functional, and spatial information, amino acid conservation, physicochemical variation, residue mobility, and thermodynamic stability) performed at Invitae indicates that this missense variant is not expected to disrupt ZEB2 protein function with a negative predictive value of 80%. In summary, the available evidence is currently insufficient to determine the role of this variant in disease. Therefore, it has been classified as a Variant of Uncertain Significance.

NM_014795.4(ZEB2):c.3352C>A (p.Pro1118Thr)

Gene: ZEB2 (zinc finger E-box binding homeobox 2; minus strand). Cytogenetic location: 2q22.3.
Variant type: single nucleotide variant.
Coding change: c.3352C>A on transcript NM_014795.4 (MANE Select); coding-DNA position 3352, C replaced by A.
Protein change: p.Pro1118Thr; replaces proline 1118 with threonine.
Molecular consequence: missense variant.
Genome position (GRCh38, 1-based): chr2:144,389,744, G>T on the plus strand (C>A on the coding strand, the complement: ZEB2 is on the minus strand). VCF-style: chr2-144389744-G-T. GRCh37 (hg19) VCF-style: chr2-145147311-G-T.
Other names: c.3280C>A, p.Pro1094Thr (NM_001171653.2); short protein forms P1118T, P1094T.
Identifiers: ClinVar variation 3661930 (VCV003661930.2).